The following is an entry in ClinVar:

NM_005359.6(SMAD4):c.1228C>T (p.Gln410Ter)

Gene: SMAD4 (SMAD family member 4; plus strand). Cytogenetic location: 18q21.2.
Variant type: single nucleotide variant.
Coding change: c.1228C>T on transcript NM_005359.6 (MANE Select); coding-DNA position 1228, C replaced by T.
Protein change: p.Gln410Ter; replaces glutamine 410 with a stop codon.
Molecular consequence: nonsense. On other transcripts: non-coding transcript variant (1).
Genome position (GRCh38, 1-based): chr18:51,067,107, C>T. VCF-style: chr18-51067107-C-T. GRCh37 (hg19) VCF-style: chr18-48593477-C-T.
Other names: c.1228C>T, p.Gln410Ter (NM_001407042.1, NM_001407041.1); short protein forms Q410*.
Identifiers: ClinVar variation 4864700 (VCV004864700.1).
Genomic context (GRCh38, chr18:51,067,107, plus strand): 5'-GAATGTAAAGGTGAAGGTGATGTTTGGGTCAGGTGCCTTAGTGACCACGCGGTCTTTGTA[C>T]AGAGTTACTACTTAGACAGAGAAGCTGGGCGTGCACCTGGAGATGCTGTTCATAAGATCT-3'

ClinVar aggregate classification (germline): Pathogenic (1 of 4 stars; one submission).

Conditions:
Familial thoracic aortic aneurysm and aortic dissection (TAAD). Also called: Thoracic aortic aneurysms and dissections. Identifiers: Orphanet 91387, MedGen C4707243, MONDO:0019625.
Hereditary cancer-predisposing syndrome. Also called: Neoplastic Syndromes, Hereditary; Tumor predisposition; Hereditary Cancer Syndrome; Hereditary neoplastic syndrome. Identifiers: Orphanet 140162, MedGen C0027672, MeSH D009386, MONDO:0015356.

Submission:

Ambry Genetics
Classification: Pathogenic for Hereditary cancer-predisposing syndrome; Familial thoracic aortic aneurysm and aortic dissection. Last evaluated: 2026-04-24. Review status: criteria provided, single submitter. Criteria: Ambry Variant Classification Scheme 2023. Collection method: clinical testing. Allele origin: germline.
Comment: The p.Q410* pathogenic mutation (also known as c.1228C>T), located in coding exon 9 of the SMAD4 gene, results from a C to T substitution at nucleotide position 1228. This changes the amino acid from a glutamine to a stop codon within coding exon 9. This variant is considered to be rare based on population cohorts in the Genome Aggregation Database (gnomAD). This alteration is expected to result in loss of function by premature protein truncation or nonsense-mediated mRNA decay. As such, this alteration is interpreted as a disease-causing mutation.